The following is an entry in ClinVar:

NM_006009.4(TUBA1A):c.191G>A (p.Arg64Gln)

Gene: TUBA1A (tubulin alpha 1a; minus strand). Cytogenetic location: 12q13.12.
Variant type: single nucleotide variant.
Coding change: c.191G>A on transcript NM_006009.4 (MANE Select); coding-DNA position 191, G replaced by A.
Protein change: p.Arg64Gln; replaces arginine 64 with glutamine.
Molecular consequence: missense variant.
Genome position (GRCh38, 1-based): chr12:49,186,646, C>T on the plus strand (G>A on the coding strand, the complement: TUBA1A is on the minus strand). VCF-style: chr12-49186646-C-T. GRCh37 (hg19) VCF-style: chr12-49580429-C-T.
Other names: c.191G>A, p.Arg64Gln (NM_001270399.2); c.86G>A, p.Arg29Gln (NM_001270400.2); short protein forms R29Q, R64Q.
Identifiers: ClinVar variation 985813 (VCV000985813.5), dbSNP rs1942184922, ClinGen allele CA384644863.
Genomic context (GRCh38, chr12:49,186,646, plus strand): 5'-ACTTGGGTTACTGAGGTCAACTCACCAATGACTGTGGGTTCCAAGTCTACAAACACTGCC[C>T]GGGGCACATGCTTGCCAGCCCCCGTCTCACTGAAGAAGGTGTTGAAGGAATCATCTCCTC-3'
Protein context (NP_006000.2, residues 54-74): SETGAGKHVP[Arg64Gln]AVFVDLEPTV

ClinVar aggregate classification (germline): Pathogenic/Likely pathogenic. Review status: criteria provided, multiple submitters, no conflicts (2 of 4 stars). 2 submissions from 2 submitters: Pathogenic (1); Likely pathogenic (1). Last evaluated 2025-03-31.

Conditions:
Inborn genetic diseases. Identifiers: MedGen C0950123, MeSH D030342.

Allele frequency attached by ClinVar (database versions not stated): gnomAD exomes below 0.00001.
gnomAD v4.1: 1 of 1,614,106 alleles (0.000062%); highest among the groups gnomAD compares: Non-Finnish European, 0.000085%; no homozygotes.

Submissions (2):

GeneDx
Classification: Pathogenic. Last evaluated: 2025-03-31. Review status: criteria provided, single submitter. Criteria: GeneDx Variant Classification Process June 2021. Collection method: clinical testing. Allele origin: germline. Affected: yes.
Comment: Missense variants in this gene are a common cause of disease and they are underrepresented in the general population; Not observed at significant frequency in large population cohorts (gnomAD); In silico analysis supports that this missense variant has a deleterious effect on protein structure/function; Has not been previously published as pathogenic or benign to our knowledge

Ambry Genetics
Classification: Likely pathogenic for Inborn genetic diseases. Last evaluated: 2020-03-19. Review status: criteria provided, single submitter. Criteria: Ambry Variant Classification Scheme 2023. Collection method: clinical testing. Allele origin: germline.
Comment: The alteration results in an amino acid change:_x000D_ _x000D_ The c.191G>A (p.R64Q) alteration is located in coding exon 2 of the TUBA1A gene. This alteration results from a G to A substitution at nucleotide position 191, causing the arginine (R) at amino acid position 64 to be replaced by a glutamine (Q). The alteration is not observed in population databases: _x000D_ _x000D_ Based on data from the Genome Aggregation Database (gnomAD), the TUBA1A c.191G>A alteration was not observed, with coverage at this position. Alterations at the same codon have been observed in affected individuals:_x000D_ _x000D_ The Deciphering Developmental Disorders (DDD) database reported a single individual with a de novo c.191G>A (p.R64Q) alteration in TUBA1A. The patient was reported to have moderate intellectual disability. Another alteration affecting the same codon, p.R64W, was de novo in a patient with microcephaly, growth restriction, truncal hypotonia, spastic tetraplegia, focal clonic seizures, optic nerve hypoplasia, and brain MRI abnormalities including extremely thin cerebral parenchyma, hypoplastic brain stem, and agenesis of the cerebellum and corpus callosum (Yokoi, 2015). The altered amino acid is conserved throughout evolution:_x000D_ _x000D_ The p.R64 amino acid is conserved in available vertebrate species. The alteration is predicted deleterious by in silico modeling:_x000D_ _x000D_ The p.R64Q alteration is predicted to be deleterious by in silico analysis. Based on the available evidence, this alteration is classified as likely pathogenic.

Literature cited by the submitters: PubMed 19344873 (cited by Ambry Genetics); PubMed 26493046 (cited by Ambry Genetics).